The following is an entry in ClinVar:

ClinVar aggregate classification (germline): Uncertain significance. Review status: criteria provided, multiple submitters, no conflicts (2 of 4 stars). 3 submissions from 3 submitters: Uncertain significance (2). 1 of the submissions does not count toward it. Last evaluated 2022-05-29.

Conditions:
Usher syndrome type 1 (USH1). Also called: RETINITIS PIGMENTOSA AND CONGENITAL DEAFNESS. Identifiers: Orphanet 231169, Orphanet 886, MedGen C1568247, MONDO:0010168, OMIM 276900.

Allele frequency attached by ClinVar (database versions not stated): gnomAD exomes 0.00001; TOPMed below 0.00001; ExAC 0.00001.
gnomAD v4.1: 4 of 1,613,886 alleles (0.00025%); highest among the groups gnomAD compares: African/African-American, 0.0027%; no homozygotes.

Submissions (3):

Labcorp Genetics (formerly Invitae), Labcorp
Classification: Uncertain significance. Last evaluated: 2022-05-29. Review status: criteria provided, single submitter. Criteria: Invitae Variant Classification Sherloc (09022015). Collection method: clinical testing. Allele origin: germline.
Comment: This sequence change replaces glutamic acid, which is acidic and polar, with lysine, which is basic and polar, at codon 1309 of the CDH23 protein (p.Glu1309Lys). This variant is present in population databases (rs111033468, gnomAD 0.01%). This variant has not been reported in the literature in individuals affected with CDH23-related conditions. ClinVar contains an entry for this variant (Variation ID: 45933). Algorithms developed to predict the effect of missense changes on protein structure and function are either unavailable or do not agree on the potential impact of this missense change (SIFT: "Deleterious"; PolyPhen-2: "Not Available"; Align-GVGD: "Class C55"). In summary, the available evidence is currently insufficient to determine the role of this variant in disease. Therefore, it has been classified as a Variant of Uncertain Significance.

Laboratory for Molecular Medicine, Mass General Brigham Personalized Medicine
Classification: Uncertain significance. Last evaluated: 2014-08-11. Review status: criteria provided, single submitter. Criteria: LMM Criteria. Collection method: clinical testing. Allele origin: germline. Observed: 1 variant allele.
Comment: The Glu1309Lys variant in CDH23 has not been previously reported in individuals with hearing loss and was absent from large population studies. Computational pr ediction tools and conservation analysis suggest that this variant may impact th e protein, though this information is not predictive enough to determine pathoge nicity. In summary, the clinical significance of the Glu1309Lys variant is uncer tain.

Natera, Inc.
Classification: Uncertain significance for Usher syndrome type 1. Last evaluated: 2019-10-28. Review status: no assertion criteria provided. Collection method: clinical testing. Allele origin: germline. Not counted in ClinVar's aggregate classification.

NM_022124.6(CDH23):c.3925G>A (p.Glu1309Lys)

Genes: C10orf105 (chromosome 10 open reading frame 105; minus strand), CDH23 (cadherin related 23; plus strand). Cytogenetic location: 10q22.1.
Variant type: single nucleotide variant.
Coding change: c.3925G>A on transcript NM_022124.6 (MANE Select); coding-DNA position 3925, G replaced by A.
Protein change: p.Glu1309Lys; replaces glutamic acid 1309 with lysine.
Molecular consequence: missense variant. On other transcripts: intron variant (1).
Genome position (GRCh38, 1-based): chr10:71,732,196, G>A. VCF-style: chr10-71732196-G-A. GRCh37 (hg19) VCF-style: chr10-73491953-G-A.
Other names: c.3925G>A, p.Glu1309Lys (NM_001171930.2); c.-6+5532C>T (NM_001168390.2); short protein forms E1309K.
Identifiers: ClinVar variation 45933 (VCV000045933.8), dbSNP rs111033468, ClinGen allele CA137402.